The following is an entry in ClinVar:

NM_004415.4(DSP):c.8444G>T (p.Ser2815Ile)

Gene: DSP (desmoplakin; plus strand). Cytogenetic location: 6p24.3.
Variant type: single nucleotide variant.
Coding change: c.8444G>T on transcript NM_004415.4 (MANE Select); coding-DNA position 8444, G replaced by T.
Protein change: p.Ser2815Ile; replaces serine 2815 with isoleucine.
Molecular consequence: missense variant.
Genome position (GRCh38, 1-based): chr6:7,585,706, G>T. VCF-style: chr6-7585706-G-T. GRCh37 (hg19) VCF-style: chr6-7585939-G-T.
Other names: c.6647G>T, p.Ser2216Ile (NM_001008844.3); c.7115G>T, p.Ser2372Ile (NM_001319034.2); short protein forms S2216I, S2372I, S2815I.
Identifiers: ClinVar variation 3224257 (VCV003224257.1), dbSNP rs2533951848, ClinGen allele CA362695159.

ClinVar aggregate classification (germline): Uncertain significance (1 of 4 stars; one submission).

Conditions:
Cardiovascular phenotype. Identifiers: MedGen CN230736.

Allele frequency attached by ClinVar (database versions not stated): gnomAD exomes below 0.00001.
gnomAD v4.1: 1 of 1,613,850 alleles (0.000062%); highest among the groups gnomAD compares: African/African-American, 0.0013%; no homozygotes.

Submission:

Ambry Genetics
Classification: Uncertain significance for Cardiovascular phenotype. Last evaluated: 2023-09-22. Review status: criteria provided, single submitter. Criteria: Ambry Variant Classification Scheme 2023. Collection method: clinical testing. Allele origin: germline.
Comment: The p.S2815I variant (also known as c.8444G>T), located in coding exon 24 of the DSP gene, results from a G to T substitution at nucleotide position 8444. The serine at codon 2815 is replaced by isoleucine, an amino acid with dissimilar properties. This amino acid position is highly conserved in available vertebrate species. In addition, the in silico prediction for this alteration is inconclusive. Since supporting evidence is limited at this time, the clinical significance of this alteration remains unclear.